The following is an entry in ClinVar:

ClinVar aggregate classification (germline): Uncertain significance (1 of 4 stars; one submission).

Conditions:
Familial temporal lobe epilepsy 7. Identifiers: Orphanet 101046, MedGen C4225327, MONDO:0014639, OMIM 616436.
Norman-Roberts syndrome (LIS2). Also called: Lissencephaly 2 (Norman-Roberts type). Identifiers: Orphanet 89844, MedGen C0796089, MONDO:0009760, OMIM 257320.

gnomAD v4.1: 1 of 1,614,160 alleles (0.000062%); highest among the groups gnomAD compares: Non-Finnish European, 0.000085%; no homozygotes.

Submission:

Labcorp Genetics (formerly Invitae), Labcorp
Classification: Uncertain significance for Familial temporal lobe epilepsy 7; Norman-Roberts syndrome. Last evaluated: 2024-10-15. Review status: criteria provided, single submitter. Criteria: Invitae Variant Classification Sherloc (09022015). Collection method: clinical testing. Allele origin: germline.
Comment: This sequence change replaces arginine, which is basic and polar, with cysteine, which is neutral and slightly polar, at codon 2684 of the RELN protein (p.Arg2684Cys). This variant is present in population databases (rs781067207, gnomAD 0.003%). This variant has not been reported in the literature in individuals affected with RELN-related conditions. Invitae Evidence Modeling of protein sequence and biophysical properties (such as structural, functional, and spatial information, amino acid conservation, physicochemical variation, residue mobility, and thermodynamic stability) indicates that this missense variant is not expected to disrupt RELN protein function with a negative predictive value of 80%. In summary, the available evidence is currently insufficient to determine the role of this variant in disease. Therefore, it has been classified as a Variant of Uncertain Significance.

NM_005045.4(RELN):c.8050C>T (p.Arg2684Cys)

Gene: RELN (reelin; minus strand). Cytogenetic location: 7q22.1.
Variant type: single nucleotide variant.
Coding change: c.8050C>T on transcript NM_005045.4 (MANE Select); coding-DNA position 8050, C replaced by T.
Protein change: p.Arg2684Cys; replaces arginine 2684 with cysteine.
Molecular consequence: missense variant.
Genome position (GRCh38, 1-based): chr7:103,515,254, G>A on the plus strand (C>T on the coding strand, the complement: RELN is on the minus strand). VCF-style: chr7-103515254-G-A. GRCh37 (hg19) VCF-style: chr7-103155701-G-A.
Other names: c.8050C>T, p.Arg2684Cys (NM_173054.3); short protein forms R2684C.
Identifiers: ClinVar variation 3763397 (VCV003763397.2).